The following is an entry in ClinVar:

NM_001369268.1(ACAN):c.1961A>G (p.Tyr654Cys)

Gene: ACAN (aggrecan; plus strand). Cytogenetic location: 15q26.1.
Variant type: single nucleotide variant.
Coding change: c.1961A>G on transcript NM_001369268.1 (MANE Select); coding-DNA position 1961, A replaced by G.
Protein change: p.Tyr654Cys; replaces tyrosine 654 with cysteine.
Molecular consequence: missense variant.
Genome position (GRCh38, 1-based): chr15:88,849,666, A>G. VCF-style: chr15-88849666-A-G. GRCh37 (hg19) VCF-style: chr15-89392897-A-G.
Other names: c.1961A>G, p.Tyr654Cys (NM_001135.4, NM_001411096.1, NM_001411097.1 and 1 more transcripts); short protein forms Y654C.
Identifiers: ClinVar variation 2867013 (VCV002867013.3), dbSNP rs2505285869, ClinGen allele CA393712432.
Genomic context (GRCh38, chr15:88,849,666, plus strand): 5'-ACCCCATCGTCACCCCAAGGCCTGCCTGCGGTGGGGACAAGCCAGGCGTGAGAACGGTCT[A>G]CCTCTACCCTAACCAGACGGGCCTCCCAGACCCACTGTCCCGGCACCATGCCTTCTGCTT-3'
Protein context (NP_001356197.1, residues 644-664): GGDKPGVRTV[Tyr654Cys]LYPNQTGLPD

ClinVar aggregate classification (germline): Uncertain significance (1 of 4 stars; one submission).

Allele frequency attached by ClinVar (database versions not stated): gnomAD exomes below 0.00001.
gnomAD v4.1: 1 of 1,613,614 alleles (0.000062%); highest among the groups gnomAD compares: South Asian, 0.0011%; no homozygotes.

Submission:

Labcorp Genetics (formerly Invitae), Labcorp
Classification: Uncertain significance. Last evaluated: 2023-06-10. Review status: criteria provided, single submitter. Criteria: Invitae Variant Classification Sherloc (09022015). Collection method: clinical testing. Allele origin: germline.
Comment: This variant has not been reported in the literature in individuals affected with ACAN-related conditions. This variant is not present in population databases (gnomAD no frequency). This sequence change replaces tyrosine, which is neutral and polar, with cysteine, which is neutral and slightly polar, at codon 654 of the ACAN protein (p.Tyr654Cys). Advanced modeling of protein sequence and biophysical properties (such as structural, functional, and spatial information, amino acid conservation, physicochemical variation, residue mobility, and thermodynamic stability) performed at Invitae indicates that this missense variant is not expected to disrupt ACAN protein function. In summary, the available evidence is currently insufficient to determine the role of this variant in disease. Therefore, it has been classified as a Variant of Uncertain Significance.